The following is an entry in ClinVar:

ClinVar aggregate classification (germline): Uncertain significance. Review status: criteria provided, multiple submitters, no conflicts (2 of 4 stars). 3 submissions from 3 submitters: Uncertain significance (3). Last evaluated 2025-07-15.

Conditions:
Retinoblastoma (RB1). Also called: RETINOBLASTOMA, SOMATIC. Identifiers: Orphanet 790, MedGen C0035335, MeSH D012175, MONDO:0008380, OMIM 180200, HP:0009919. Disease mechanism: loss of function. Inheritance: Both sporadic and heritable forms are tested..
Hereditary cancer-predisposing syndrome. Also called: Tumor predisposition; Hereditary neoplastic syndrome; Hereditary Cancer Syndrome; Neoplastic Syndromes, Hereditary. Identifiers: Orphanet 140162, MedGen C0027672, MeSH D009386, MONDO:0015356.

Submissions (3):

Color Diagnostics, LLC DBA Color Health
Classification: Uncertain significance for Retinoblastoma. Last evaluated: 2025-07-15. Review status: criteria provided, single submitter. Criteria: ACMG Guidelines, 2015. Collection method: clinical testing. Allele origin: germline.
Comment: This missense variant replaces valine with alanine at codon 128 of the RB1 protein. Computational prediction is inconclusive regarding the impact of this variant on protein structure and function. To our knowledge, functional studies have not been reported for this variant. This variant has not been reported in individuals affected with RB1-related disorders in the literature. This variant has not been identified in the general population by the Genome Aggregation Database (gnomAD). The available evidence is insufficient to determine the role of this variant in disease conclusively. Therefore, this variant is classified as a Variant of Uncertain Significance.

Ambry Genetics
Classification: Uncertain significance for Hereditary cancer-predisposing syndrome. Last evaluated: 2024-03-13. Review status: criteria provided, single submitter. Criteria: Ambry Variant Classification Scheme 2023. Collection method: clinical testing. Allele origin: germline.
Comment: The p.V128A variant (also known as c.383T>C), located in coding exon 4 of the RB1 gene, results from a T to C substitution at nucleotide position 383. The valine at codon 128 is replaced by alanine, an amino acid with similar properties. This amino acid position is conserved. In addition, the in silico prediction for this alteration is inconclusive. Based on the available evidence, the clinical significance of this alteration remains unclear.

Labcorp Genetics (formerly Invitae), Labcorp
Classification: Uncertain significance for Retinoblastoma. Last evaluated: 2018-04-07. Review status: criteria provided, single submitter. Criteria: Invitae Variant Classification Sherloc (09022015). Collection method: clinical testing. Allele origin: germline.
Comment: This sequence change replaces valine with alanine at codon 128 of the RB1 protein (p.Val128Ala). The valine residue is highly conserved and there is a small physicochemical difference between valine and alanine. In summary, the available evidence is currently insufficient to determine the role of this variant in disease. Therefore, it has been classified as a Variant of Uncertain Significance. Algorithms developed to predict the effect of missense changes on protein structure and function (SIFT, PolyPhen-2, Align-GVGD) all suggest that this variant is likely to be disruptive, but these predictions have not been confirmed by published functional studies and their clinical significance is uncertain. This variant has not been reported in the literature in individuals with RB1-related disease. This variant is not present in population databases (ExAC no frequency).

NM_000321.3(RB1):c.383T>C (p.Val128Ala)

Gene: RB1 (RB transcriptional corepressor 1; plus strand). Cytogenetic location: 13q14.2.
Variant type: single nucleotide variant.
Coding change: c.383T>C on transcript NM_000321.3 (MANE Select); coding-DNA position 383, T replaced by C.
Protein change: p.Val128Ala; replaces valine 128 with alanine.
Molecular consequence: missense variant.
Genome position (GRCh38, 1-based): chr13:48,345,082, T>C. VCF-style: chr13-48345082-T-C. GRCh37 (hg19) VCF-style: chr13-48919218-T-C.
Other names: short protein forms V128A.
Identifiers: ClinVar variation 577646 (VCV000577646.9), dbSNP rs1566186839, ClinGen allele CA388252596.